The following is an entry in ClinVar:

NC_000013.11:g.32339717_32339718delinsA

Gene: BRCA2 (BRCA2 DNA repair associated; plus strand). Cytogenetic location: 13q13.1.
Variant type: Indel.
Genome position: GRCh38 VCF-style: chr13-32339717-TC-A. GRCh37 (hg19) VCF-style: chr13-32913854-TC-A.
Other names: c.5362_5363delinsA, p.Ser1788fs (LRG_293t1).
Identifiers: ClinVar variation 581434 (VCV000581434.7), dbSNP rs1566232310, ClinGen allele CA891844234.

ClinVar aggregate classification (germline): Pathogenic/Likely pathogenic. Review status: criteria provided, multiple submitters, no conflicts (2 of 4 stars). 2 submissions from 2 submitters: Pathogenic (1); Likely pathogenic (1). Last evaluated 2021-09-10.

Conditions:
Hereditary breast ovarian cancer syndrome. Also called: Hereditary breast and ovarian cancer syndrome; Hereditary breast and ovarian cancer syndrome (HBOC); BRCA1- and BRCA2-Associated Hereditary Breast and Ovarian Cancer; Hereditary breast and/or ovarian cancer syndrome; Hereditary breast and ovarian cancer; Breast and ovarian cancer. Identifiers: Orphanet 145, MedGen C0677776, MeSH D061325, MONDO:0003582. Disease mechanism: loss of function.

Submissions (2):

Labcorp Genetics (formerly Invitae), Labcorp
Classification: Pathogenic for Hereditary breast ovarian cancer syndrome. Last evaluated: 2021-09-10. Review status: criteria provided, single submitter. Criteria: Invitae Variant Classification Sherloc (09022015). Collection method: clinical testing. Allele origin: germline.
Comment: This sequence change creates a premature translational stop signal (p.Ser1788Thrfs*3) in the BRCA2 gene. It is expected to result in an absent or disrupted protein product. Loss-of-function variants in BRCA2 are known to be pathogenic (PMID: 20104584). This variant is not present in population databases (ExAC no frequency). This variant has not been reported in the literature in individuals with BRCA2-related conditions. ClinVar contains an entry for this variant (Variation ID: 581434). For these reasons, this variant has been classified as Pathogenic.

Women's Health and Genetics/Laboratory Corporation of America, LabCorp
Classification: Likely pathogenic for Hereditary breast and ovarian cancer syndrome. Last evaluated: 2018-06-05. Review status: criteria provided, single submitter. Criteria: LabCorp Variant Classification Summary - May 2015. Collection method: clinical testing. Allele origin: germline.
Comment: Variant summary: BRCA2 c.5362_5363delinsA (p.Ser1788ThrfsX3) results in a premature termination codon, predicted to cause a truncation of the encoded protein or absence of the protein due to nonsense mediated decay, which are commonly known mechanisms for disease. Truncations downstream of this position have been classified as pathogenic by our laboratory (eg. c.5386_5387delGA, p.Asp1796fsX10; c.5410_5411delGT, p.Val1804fsX2). The variant is absent in 245510 chromosomes from the gnomad database. To our knowledge, no occurrence of c.5362_5363delinsA in individuals affected with Hereditary Breast and Ovarian Cancer and no experimental evidence demonstrating its impact on protein function have been reported. No clinical diagnostic laboratories have submitted clinical-significance assessments for this variant to ClinVar after 2014. Based on the evidence outlined above, the variant was classified as likely pathogenic.

Literature cited by the submitters: PubMed 20104584 (cited by Labcorp Genetics (formerly Invitae), Labcorp).